The following is an entry in ClinVar:

ClinVar aggregate classification (germline): Uncertain significance. Review status: criteria provided, multiple submitters, no conflicts (2 of 4 stars). 2 submissions from 2 submitters: Uncertain significance (2). Last evaluated 2025-07-10.

Conditions:
Familial thoracic aortic aneurysm and aortic dissection (TAAD). Also called: Thoracic aortic aneurysms and dissections. Identifiers: Orphanet 91387, MedGen C4707243, MONDO:0019625.
Marfan syndrome (MFS). Also called: Marfan syndrome, classic; Marfan syndrome type 1; Marfan's syndrome; MARFAN SYNDROME, TYPE I; FBN1-Related Marfan Syndrome. Identifiers: Orphanet 284963, Orphanet 558, MedGen C0024796, MONDO:0007947, OMIM 154700.

Submissions (2):

Color Diagnostics, LLC DBA Color Health
Classification: Uncertain significance for Familial thoracic aortic aneurysm and aortic dissection. Last evaluated: 2025-07-10. Review status: criteria provided, single submitter. Criteria: ACMG Guidelines, 2015. Collection method: clinical testing. Allele origin: germline.
Comment: This missense variant replaces histidine with arginine at codon 87 of the FBN1 protein. Computational prediction suggests that this variant may not impact protein structure and function. To our knowledge, functional studies have not been reported for this variant. This variant has not been reported in individuals affected with FBN1-related disorders in the literature. This variant has not been identified in the general population by the Genome Aggregation Database (gnomAD). The available evidence is insufficient to determine the role of this variant in disease conclusively. Therefore, this variant is classified as a Variant of Uncertain Significance.

Labcorp Genetics (formerly Invitae), Labcorp
Classification: Uncertain significance for Marfan syndrome; Familial thoracic aortic aneurysm and aortic dissection. Last evaluated: 2022-07-05. Review status: criteria provided, single submitter. Criteria: Invitae Variant Classification Sherloc (09022015). Collection method: clinical testing. Allele origin: germline.
Comment: ClinVar contains an entry for this variant (Variation ID: 406353). This variant has not been reported in the literature in individuals affected with FBN1-related conditions. This variant is not present in population databases (gnomAD no frequency). This sequence change replaces histidine, which is basic and polar, with arginine, which is basic and polar, at codon 87 of the FBN1 protein (p.His87Arg). Algorithms developed to predict the effect of missense changes on protein structure and function (SIFT, PolyPhen-2, Align-GVGD) all suggest that this variant is likely to be tolerated. In summary, the available evidence is currently insufficient to determine the role of this variant in disease. Therefore, it has been classified as a Variant of Uncertain Significance.

NM_000138.5(FBN1):c.260A>G (p.His87Arg)

Gene: FBN1 (fibrillin 1; minus strand). Cytogenetic location: 15q21.1.
Variant type: single nucleotide variant.
Coding change: c.260A>G on transcript NM_000138.5 (MANE Select); coding-DNA position 260, A replaced by G.
Protein change: p.His87Arg; replaces histidine 87 with arginine.
Molecular consequence: missense variant.
Genome position (GRCh38, 1-based): chr15:48,610,814, T>C on the plus strand (A>G on the coding strand, the complement: FBN1 is on the minus strand). VCF-style: chr15-48610814-T-C. GRCh37 (hg19) VCF-style: chr15-48903011-T-C.
Other names: short protein forms H87R.
Identifiers: ClinVar variation 406353 (VCV000406353.11), dbSNP rs1060501080, ClinGen allele CA16614458.